The following is an entry in ClinVar:

NM_002314.4(LIMK1):c.777C>G (p.His259Gln)

Gene: LIMK1 (LIM domain kinase 1; plus strand). Cytogenetic location: 7q11.23.
Variant type: single nucleotide variant.
Coding change: c.777C>G on transcript NM_002314.4 (MANE Select); coding-DNA position 777, C replaced by G.
Protein change: p.His259Gln; replaces histidine 259 with glutamine.
Molecular consequence: missense variant.
Genome position (GRCh38, 1-based): chr7:74,106,139, C>G. VCF-style: chr7-74106139-C-G. GRCh37 (hg19) VCF-style: chr7-73520469-C-G.
Other names: c.675C>G, p.His225Gln (NM_001204426.2); short protein forms H225Q, H259Q.
Identifiers: ClinVar variation 712470 (VCV000712470.30), dbSNP rs114211869, ClinGen allele CA4293719.

ClinVar aggregate classification (germline): Benign/Likely benign. Review status: criteria provided, multiple submitters, no conflicts (2 of 4 stars). 4 submissions from 4 submitters: Benign (2); Likely benign (1). 1 of the submissions does not count toward it. Last evaluated 2026-01-01.

Conditions:
LIMK1-related disorder. Also called: LIMK1-related condition.

Allele frequency attached by ClinVar (database versions not stated): TOPMed 0.00432; ESP Exome Variant Server 0.00446; 1000 Genomes Project 0.00479; 1000 Genomes Project 30x 0.00531.
gnomAD v4.1: 1,393 of 1,614,106 alleles (0.086%); highest among the groups gnomAD compares: African/African-American, 1.2%; 9 homozygotes.

Submissions (4):

CeGaT Center for Human Genetics Tuebingen
Classification: Likely benign. Last evaluated: 2026-01-01. Review status: criteria provided, single submitter. Criteria: CeGaT Center For Human Genetics Tuebingen Variant Classification Criteria Version 2. Collection method: clinical testing. Allele origin: germline. Affected: yes. Observed: 2 variant alleles.
Comment: LIMK1: BS1

Labcorp Genetics (formerly Invitae), Labcorp
Classification: Benign. Last evaluated: 2019-12-31. Review status: criteria provided, single submitter. Criteria: Invitae Variant Classification Sherloc (09022015). Collection method: clinical testing. Allele origin: germline.

Breakthrough Genomics
Classification: Benign. Review status: criteria provided, single submitter. Criteria: ACMG Guidelines, 2015. Collection method: not provided. Allele origin: germline. Inheritance: Unknown mechanism. Affected: yes.

PreventionGenetics, part of Exact Sciences
Classification: Likely benign for LIMK1-related condition. Last evaluated: 2019-02-25. Review status: no assertion criteria provided. Collection method: clinical testing. Allele origin: germline. Not counted in ClinVar's aggregate classification.
Comment: This variant is classified as likely benign based on ACMG/AMP sequence variant interpretation guidelines (Richards et al. 2015 PMID: 25741868, with internal and published modifications).